The following is an entry in ClinVar:

ClinVar aggregate classification (germline): Uncertain significance (1 of 4 stars; one submission).

Conditions:
Familial adenomatous polyposis 1 (FAP1). Also called: FAMILIAL ADENOMATOUS POLYPOSIS 1, ATTENUATED; POLYPOSIS, ADENOMATOUS INTESTINAL. Identifiers: MedGen C2713442, MONDO:0021056, OMIM 175100. Disease mechanism: loss of function.

gnomAD v4.1: 1 of 1,614,206 alleles (0.000062%); highest among the groups gnomAD compares: Non-Finnish European, 0.000085%; no homozygotes.

Submission:

Labcorp Genetics (formerly Invitae), Labcorp
Classification: Uncertain significance for Familial adenomatous polyposis 1. Last evaluated: 2024-08-22. Review status: criteria provided, single submitter. Criteria: Invitae Variant Classification Sherloc (09022015). Collection method: clinical testing. Allele origin: germline.
Comment: This sequence change replaces threonine, which is neutral and polar, with isoleucine, which is neutral and non-polar, at codon 899 of the APC protein (p.Thr899Ile). This variant is not present in population databases (gnomAD no frequency). This variant has not been reported in the literature in individuals affected with APC-related conditions. Invitae Evidence Modeling of protein sequence and biophysical properties (such as structural, functional, and spatial information, amino acid conservation, physicochemical variation, residue mobility, and thermodynamic stability) indicates that this missense variant is not expected to disrupt APC protein function with a negative predictive value of 95%. In summary, the available evidence is currently insufficient to determine the role of this variant in disease. Therefore, it has been classified as a Variant of Uncertain Significance.

NM_000038.6(APC):c.2696C>T (p.Thr899Ile)

Gene: APC (APC regulator of Wnt signaling pathway; plus strand). Cytogenetic location: 5q22.2.
Variant type: single nucleotide variant.
Coding change: c.2696C>T on transcript NM_000038.6 (MANE Select); coding-DNA position 2696, C replaced by T.
Protein change: p.Thr899Ile; replaces threonine 899 with isoleucine.
Molecular consequence: missense variant. On other transcripts: non-coding transcript variant (2).
Genome position (GRCh38, 1-based): chr5:112,838,290, C>T. VCF-style: chr5-112838290-C-T. GRCh37 (hg19) VCF-style: chr5-112173987-C-T.
Other names: c.2780C>T, p.Thr927Ile (NM_001407446.1); c.2750C>T, p.Thr917Ile (NM_001407447.1, NM_001407448.1, NM_001407449.1 and 1 more transcripts); c.2696C>T, p.Thr899Ile (NM_001407450.1, NM_001127510.3, NM_001354895.2); c.2675C>T, p.Thr892Ile (NM_001407451.1); c.2666C>T, p.Thr889Ile (NM_001407452.1); c.2519C>T, p.Thr840Ile (NM_001407453.1, NM_001354901.2); c.2447C>T, p.Thr816Ile (NM_001407454.1, NM_001407455.1, NM_001407456.1 and 1 more transcripts); c.2393C>T, p.Thr798Ile (NM_001407458.1, NM_001407459.1, NM_001407460.1 and 1 more transcripts); and 11 more; short protein forms T515I, T739I, T770I, T881I, T889I, T899I, T616I, T798I.
Identifiers: ClinVar variation 3635432 (VCV003635432.2).
Genomic context (GRCh38, chr5:112,838,290, plus strand): 5'-AGATCTCCACCACTGCAGCCCAGATTGCCAAAGTCATGGAAGAAGTGTCAGCCATTCATA[C>T]CTCTCAGGAAGACAGAAGTTCTGGGTCTACCACTGAATTACATTGTGTGACAGATGAGAG-3'
Protein context (NP_000029.2, residues 889-909): KVMEEVSAIH[Thr899Ile]SQEDRSSGST